The following is an entry in ClinVar:

NM_014363.6(SACS):c.1579T>C (p.Ser527Pro)

Gene: SACS (sacsin molecular chaperone; minus strand). Cytogenetic location: 13q12.12.
Variant type: single nucleotide variant.
Coding change: c.1579T>C on transcript NM_014363.6 (MANE Select); coding-DNA position 1579, T replaced by C.
Protein change: p.Ser527Pro; replaces serine 527 with proline.
Molecular consequence: missense variant.
Genome position (GRCh38, 1-based): chr13:23,355,033, A>G on the plus strand (T>C on the coding strand, the complement: SACS is on the minus strand). VCF-style: chr13-23355033-A-G. GRCh37 (hg19) VCF-style: chr13-23929172-A-G.
Other names: c.1138T>C, p.Ser380Pro (NM_001278055.2); c.1579T>C (NM_014363.5); short protein forms S380P, S527P.
Identifiers: ClinVar variation 1521360 (VCV001521360.8), dbSNP rs771914413, ClinGen allele CA6911894.

ClinVar aggregate classification (germline): Conflicting classifications of pathogenicity. Review status: criteria provided, conflicting classifications (1 of 4 stars). 2 submissions from 2 submitters: Uncertain significance (1); Benign (1). Last evaluated 2026-01-19.

Conditions:
SACS-related disorder. Also called: SACS-related condition.
Spastic paraplegia. Identifiers: MedGen C0037772, HP:0001258.

Allele frequency attached by ClinVar (database versions not stated): ExAC 0.00006; gnomAD exomes 0.00009 and 0.00004; gnomAD 0.00001; TOPMed 0.00004.

Submissions (2):

Labcorp Genetics (formerly Invitae), Labcorp
Classification: Benign for Spastic paraplegia. Last evaluated: 2026-01-19. Review status: criteria provided, single submitter. Criteria: Invitae Variant Classification Sherloc (09022015). Collection method: clinical testing. Allele origin: germline.

PreventionGenetics, part of Exact Sciences
Classification: Uncertain significance for SACS-related condition. Last evaluated: 2023-04-20. Review status: criteria provided, single submitter. Criteria: ACMG Guidelines, 2015. Collection method: clinical testing. Allele origin: germline.
Comment: The SACS c.1579T>C variant is predicted to result in the amino acid substitution p.Ser527Pro. To our knowledge, this variant has not been reported in the literature. This variant is reported in 0.065% of alleles in individuals of Latino descent in gnomAD. At this time, the clinical significance of this variant is uncertain due to the absence of conclusive functional and genetic evidence.